The following is an entry in ClinVar:

NM_001128840.3(CACNA1D):c.5676G>C (p.Glu1892Asp)

Gene: CACNA1D (calcium voltage-gated channel subunit alpha1 D; plus strand). Cytogenetic location: 3p21.1.
Variant type: single nucleotide variant.
Coding change: c.5676G>C on transcript NM_001128840.3 (MANE Select); coding-DNA position 5676, G replaced by C.
Protein change: p.Glu1892Asp; replaces glutamic acid 1892 with aspartic acid.
Molecular consequence: missense variant.
Genome position (GRCh38, 1-based): chr3:53,805,073, G>C. VCF-style: chr3-53805073-G-C. GRCh37 (hg19) VCF-style: chr3-53839100-G-C.
Other names: c.5736G>C, p.Glu1912Asp (NM_000720.4); c.5604G>C, p.Glu1868Asp (NM_001128839.3); short protein forms E1892D, E1868D, E1912D.
Identifiers: ClinVar variation 2012213 (VCV002012213.4), dbSNP rs2474508113, ClinGen allele CA353254682.
Genomic context (GRCh38, chr3:53,805,073, plus strand): 5'-AGGCAGAAACATCGACTCTGAGAGGCCCCGAGGCTACCATCATCCCCAAGGATTCTTGGA[G>C]GACGATGACTCGCCCGTTTGCTATGATTCACGGAGATCTCCAAGGAGACGCCTACTACCT-3'
Protein context (NP_001122312.1, residues 1882-1902): RGYHHPQGFL[Glu1892Asp]DDDSPVCYDS

ClinVar aggregate classification (germline): Uncertain significance (1 of 4 stars; one submission).

Allele frequency attached by ClinVar (database versions not stated): gnomAD exomes below 0.00001.
gnomAD v4.1: 1 of 1,614,194 alleles (0.000062%); highest among the groups gnomAD compares: African/African-American, 0.0013%; no homozygotes.

Submission:

Labcorp Genetics (formerly Invitae), Labcorp
Classification: Uncertain significance. Last evaluated: 2022-06-29. Review status: criteria provided, single submitter. Criteria: Invitae Variant Classification Sherloc (09022015). Collection method: clinical testing. Allele origin: germline.
Comment: This sequence change replaces glutamic acid, which is acidic and polar, with aspartic acid, which is acidic and polar, at codon 1912 of the CACNA1D protein (p.Glu1912Asp). This variant is not present in population databases (gnomAD no frequency). This variant has not been reported in the literature in individuals affected with CACNA1D-related conditions. Algorithms developed to predict the effect of missense changes on protein structure and function output the following: SIFT: "Tolerated"; PolyPhen-2: "Benign"; Align-GVGD: "Class C0". The aspartic acid amino acid residue is found in multiple mammalian species, which suggests that this missense change does not adversely affect protein function. In summary, the available evidence is currently insufficient to determine the role of this variant in disease. Therefore, it has been classified as a Variant of Uncertain Significance.